The following is an entry in ClinVar:

NM_000540.3(RYR1):c.11463C>A (p.Asp3821Glu)

Gene: RYR1 (ryanodine receptor 1; plus strand). Cytogenetic location: 19q13.2.
Variant type: single nucleotide variant.
Coding change: c.11463C>A on transcript NM_000540.3 (MANE Select); coding-DNA position 11463, C replaced by A.
Protein change: p.Asp3821Glu; replaces aspartic acid 3821 with glutamic acid.
Molecular consequence: missense variant.
Genome position (GRCh38, 1-based): chr19:38,535,339, C>A. VCF-style: chr19-38535339-C-A. GRCh37 (hg19) VCF-style: chr19-39025979-C-A.
Other names: c.11448C>A, p.Asp3816Glu (NM_001042723.2); short protein forms D3816E, D3821E.
Identifiers: ClinVar variation 3712300 (VCV003712300.2).

ClinVar aggregate classification (germline): Uncertain significance (1 of 4 stars; one submission).

Conditions:
RYR1-related disorder. Also called: RYR1-related condition; RYR1-related disorders. Identifiers: MedGen CN239331.

gnomAD v4.1: 2 of 1,614,154 alleles (0.00012%); highest among the groups gnomAD compares: Non-Finnish European, 0.00017%; no homozygotes.

Submission:

Labcorp Genetics (formerly Invitae), Labcorp
Classification: Uncertain significance for RYR1-related disorder. Last evaluated: 2024-06-17. Review status: criteria provided, single submitter. Criteria: Invitae Variant Classification Sherloc (09022015). Collection method: clinical testing. Allele origin: germline.
Comment: This sequence change replaces aspartic acid, which is acidic and polar, with glutamic acid, which is acidic and polar, at codon 3821 of the RYR1 protein (p.Asp3821Glu). This variant is not present in population databases (gnomAD no frequency). This variant has not been reported in the literature in individuals affected with RYR1-related conditions. Advanced modeling of protein sequence and biophysical properties (such as structural, functional, and spatial information, amino acid conservation, physicochemical variation, residue mobility, and thermodynamic stability) performed at Invitae indicates that this missense variant is not expected to disrupt RYR1 protein function with a negative predictive value of 95%. In summary, the available evidence is currently insufficient to determine the role of this variant in disease. Therefore, it has been classified as a Variant of Uncertain Significance.